The following is an entry in ClinVar:

NM_015161.3(ARL6IP1):c.347G>A (p.Arg116Gln)

Gene: ARL6IP1 (ARL6 interacting reticulophagy regulator 1; minus strand). Cytogenetic location: 16p12.3.
Variant type: single nucleotide variant.
Coding change: c.347G>A on transcript NM_015161.3 (MANE Select); coding-DNA position 347, G replaced by A.
Protein change: p.Arg116Gln; replaces arginine 116 with glutamine.
Molecular consequence: missense variant.
Genome position (GRCh38, 1-based): chr16:18,795,525, C>T on the plus strand (G>A on the coding strand, the complement: ARL6IP1 is on the minus strand). VCF-style: chr16-18795525-C-T. GRCh37 (hg19) VCF-style: chr16-18806847-C-T.
Other names: c.347G>A (NM_015161.1); c.260G>A, p.Arg87Gln (NM_001313858.1); short protein forms R116Q, R87Q.
Identifiers: ClinVar variation 1980701 (VCV001980701.15), dbSNP rs189570291, ClinGen allele CA7929483.

ClinVar aggregate classification (germline): Uncertain significance. Review status: criteria provided, multiple submitters, no conflicts (2 of 4 stars). 4 submissions from 4 submitters: Uncertain significance (4). Last evaluated 2025-08-13.

Conditions:
Hereditary spastic paraplegia 61. Also called: Spastic paraplegia 61, autosomal recessive. Identifiers: Orphanet 401780, MedGen C3810294, MONDO:0014304, OMIM 615685.
Inborn genetic diseases. Identifiers: MedGen C0950123, MeSH D030342.

Allele frequency attached by ClinVar (database versions not stated): gnomAD 0.00003; gnomAD exomes 0.00006; ESP Exome Variant Server 0.00008; ExAC 0.00009; 1000 Genomes Project 0.00020; 1000 Genomes Project 30x 0.00031.
gnomAD v4.1: 97 of 1,613,732 alleles (0.006%); highest among the groups gnomAD compares: Admixed American, 0.0083%; no homozygotes.

Submissions (4):

Ambry Genetics
Classification: Uncertain significance for Inborn genetic diseases. Last evaluated: 2025-08-13. Review status: criteria provided, single submitter. Criteria: Ambry Variant Classification Scheme 2023. Collection method: clinical testing. Allele origin: germline.

CeGaT Center for Human Genetics Tuebingen
Classification: Uncertain significance. Last evaluated: 2025-06-01. Review status: criteria provided, single submitter. Criteria: CeGaT Center For Human Genetics Tuebingen Variant Classification Criteria Version 2. Collection method: clinical testing. Allele origin: germline. Affected: yes. Observed: 1 variant allele.
Comment: ARL6IP1: PM2

Blueprint Genetics
Classification: Uncertain significance. Last evaluated: 2024-10-29. Review status: criteria provided, single submitter. Criteria: ACMG Guidelines, 2015. Collection method: clinical testing. Allele origin: germline.

Labcorp Genetics (formerly Invitae), Labcorp
Classification: Uncertain significance for Hereditary spastic paraplegia 61. Last evaluated: 2024-10-24. Review status: criteria provided, single submitter. Criteria: Invitae Variant Classification Sherloc (09022015). Collection method: clinical testing. Allele origin: germline.
Comment: This sequence change replaces arginine, which is basic and polar, with glutamine, which is neutral and polar, at codon 116 of the ARL6IP1 protein (p.Arg116Gln). This variant is present in population databases (rs189570291, gnomAD 0.02%). This variant has not been reported in the literature in individuals affected with ARL6IP1-related conditions. ClinVar contains an entry for this variant (Variation ID: 1980701). Experimental studies and prediction algorithms are not available or were not evaluated, and the functional significance of this variant is currently unknown. In summary, the available evidence is currently insufficient to determine the role of this variant in disease. Therefore, it has been classified as a Variant of Uncertain Significance.